The following is an entry in ClinVar:

NM_004360.5(CDH1):c.808T>C (p.Ser270Pro)

Gene: CDH1 (cadherin 1; plus strand). Cytogenetic location: 16q22.1.
Variant type: single nucleotide variant.
Coding change: c.808T>C on transcript NM_004360.5 (MANE Select); coding-DNA position 808, T replaced by C.
Protein change: p.Ser270Pro; replaces serine 270 with proline.
Molecular consequence: missense variant. On other transcripts: 5 prime UTR variant (2).
Genome position (GRCh38, 1-based): chr16:68,810,317, T>C. VCF-style: chr16-68810317-T-C. GRCh37 (hg19) VCF-style: chr16-68844220-T-C.
Other names: c.808T>C, p.Ser270Pro (NM_001317184.2); c.-808T>C (NM_001317185.2); c.-1012T>C (NM_001317186.2); short protein forms S270P.
Identifiers: ClinVar variation 3659604 (VCV003659604.3).
Genomic context (GRCh38, chr16:68,810,317, plus strand): 5'-ATCACGGTAACCGATCAGAATGACAACAAGCCCGAATTCACCCAGGAGGTCTTTAAGGGG[T>C]CTGTCATGGAAGGTGCTCTTCCAGGTATATCCACTAATGAGAATCTGAATACTCAGAAAG-3'
Protein context (NP_004351.1, residues 260-280): PEFTQEVFKG[Ser270Pro]VMEGALPGTS

ClinVar aggregate classification (germline): Uncertain significance. Review status: criteria provided, multiple submitters, no conflicts (2 of 4 stars). 2 submissions from 2 submitters: Uncertain significance (2). Last evaluated 2025-09-29.

Conditions:
Hereditary cancer-predisposing syndrome. Also called: Neoplastic Syndromes, Hereditary; Hereditary neoplastic syndrome; Tumor predisposition; Hereditary Cancer Syndrome. Identifiers: Orphanet 140162, MedGen C0027672, MeSH D009386, MONDO:0015356.
Hereditary diffuse gastric adenocarcinoma (HDGC). Also called: DIFFUSE GASTRIC AND LOBULAR BREAST CANCER SYNDROME. Identifiers: Orphanet 26106, MedGen C1708349, MONDO:0007648, OMIM 137215.

Submissions (2):

Ambry Genetics
Classification: Uncertain significance for Hereditary cancer-predisposing syndrome. Last evaluated: 2025-09-29. Review status: criteria provided, single submitter. Criteria: Ambry Variant Classification Scheme 2023. Collection method: clinical testing. Allele origin: germline.
Comment: The p.S270P variant (also known as c.808T>C), located in coding exon 6 of the CDH1 gene, results from a T to C substitution at nucleotide position 808. The serine at codon 270 is replaced by proline, an amino acid with similar properties. This amino acid position is not well conserved in available vertebrate species. In addition, the in silico prediction for this alteration is inconclusive. Based on the available evidence, the clinical significance of this variant remains unclear.

Labcorp Genetics (formerly Invitae), Labcorp
Classification: Uncertain significance for Hereditary diffuse gastric adenocarcinoma. Last evaluated: 2024-07-16. Review status: criteria provided, single submitter. Criteria: Invitae Variant Classification Sherloc (09022015). Collection method: clinical testing. Allele origin: germline.
Comment: This sequence change replaces serine, which is neutral and polar, with proline, which is neutral and non-polar, at codon 270 of the CDH1 protein (p.Ser270Pro). This variant is not present in population databases (gnomAD no frequency). This variant has not been reported in the literature in individuals affected with CDH1-related conditions. An algorithm developed to predict the effect of missense changes on protein structure and function (PolyPhen-2) suggests that this variant is likely to be disruptive. In summary, the available evidence is currently insufficient to determine the role of this variant in disease. Therefore, it has been classified as a Variant of Uncertain Significance.